The following is an entry in ClinVar:

ClinVar aggregate classification (germline): Uncertain significance (1 of 4 stars; one submission).

Conditions:
Cardiovascular phenotype. Identifiers: MedGen CN230736.

Submission:

Ambry Genetics
Classification: Uncertain significance for Cardiovascular phenotype. Last evaluated: 2025-06-10. Review status: criteria provided, single submitter. Criteria: Ambry Variant Classification Scheme 2023. Collection method: clinical testing. Allele origin: germline.
Comment: The p.A1805G variant (also known as c.5414C>G), located in coding exon 26 of the APOB gene, results from a C to G substitution at nucleotide position 5414. The alanine at codon 1805 is replaced by glycine, an amino acid with similar properties. This amino acid position is conserved. In addition, this alteration is predicted to be tolerated by in silico analysis. Based on the available evidence, the clinical significance of this variant remains unclear.

NM_000384.3(APOB):c.5414C>G (p.Ala1805Gly)

Gene: APOB (apolipoprotein B; minus strand). Cytogenetic location: 2p24.1.
Variant type: single nucleotide variant.
Coding change: c.5414C>G on transcript NM_000384.3 (MANE Select); coding-DNA position 5414, C replaced by G.
Protein change: p.Ala1805Gly; replaces alanine 1805 with glycine.
Molecular consequence: missense variant.
Genome position (GRCh38, 1-based): chr2:21,011,454, G>C on the plus strand (C>G on the coding strand, the complement: APOB is on the minus strand). VCF-style: chr2-21011454-G-C. GRCh37 (hg19) VCF-style: chr2-21234326-G-C.
Other names: short protein forms A1805G.
Identifiers: ClinVar variation 3933405 (VCV003933405.1).
Genomic context (GRCh38, chr2:21,011,454, plus strand): 5'-CCAGCCACATGCAGCTTCAGGGGTTCTAGCCGTAGTTTCCCATTGTTGGTGAGATCCAGA[G>C]CATTGTATTTCAGGTCACTGTTTAAAGTAGTTACCAGAGAATAGGGCTGTAGCTGTAAAT-3'
Protein context (NP_000375.3, residues 1795-1815): TTLNSDLKYN[Ala1805Gly]LDLTNNGKLR